The following is an entry in ClinVar:

ClinVar aggregate classification (germline): Uncertain significance. Review status: criteria provided, multiple submitters, no conflicts (2 of 4 stars). 2 submissions from 2 submitters: Uncertain significance (2). Last evaluated 2024-01-02.

Allele frequency attached by ClinVar (database versions not stated): TOPMed 0.00001; gnomAD 0.00002; gnomAD exomes 0.00003 and 0.00006; ExAC 0.00006; 1000 Genomes Project 0.00040; 1000 Genomes Project 30x 0.00047.

Submissions (2):

Labcorp Genetics (formerly Invitae), Labcorp
Classification: Uncertain significance. Last evaluated: 2024-01-02. Review status: criteria provided, single submitter. Criteria: Invitae Variant Classification Sherloc (09022015). Collection method: clinical testing. Allele origin: germline.
Comment: This sequence change replaces aspartic acid, which is acidic and polar, with alanine, which is neutral and non-polar, at codon 597 of the TRPM1 protein (p.Asp597Ala). This variant is present in population databases (rs372575158, gnomAD 0.04%). This variant has not been reported in the literature in individuals affected with TRPM1-related conditions. ClinVar contains an entry for this variant (Variation ID: 1517809). Advanced modeling of protein sequence and biophysical properties (such as structural, functional, and spatial information, amino acid conservation, physicochemical variation, residue mobility, and thermodynamic stability) performed at Invitae indicates that this missense variant is not expected to disrupt TRPM1 protein function with a negative predictive value of 95%. In summary, the available evidence is currently insufficient to determine the role of this variant in disease. Therefore, it has been classified as a Variant of Uncertain Significance.

Blueprint Genetics
Classification: Uncertain significance. Last evaluated: 2020-03-16. Review status: criteria provided, single submitter. Criteria: ACMG Guidelines, 2015. Collection method: clinical testing. Allele origin: germline.

NM_001252024.2(TRPM1):c.1856A>C (p.Asp619Ala)

Gene: TRPM1 (transient receptor potential cation channel subfamily M member 1; minus strand). Cytogenetic location: 15q13.3.
Variant type: single nucleotide variant.
Coding change: c.1856A>C on transcript NM_001252024.2 (MANE Select); coding-DNA position 1856, A replaced by C.
Protein change: p.Asp619Ala; replaces aspartic acid 619 with alanine.
Molecular consequence: missense variant.
Genome position (GRCh38, 1-based): chr15:31,042,182, T>G on the plus strand (A>C on the coding strand, the complement: TRPM1 is on the minus strand). VCF-style: chr15-31042182-T-G. GRCh37 (hg19) VCF-style: chr15-31334385-T-G.
Other names: c.1907A>C, p.Asp636Ala (NM_001252020.2); c.1790A>C, p.Asp597Ala (NM_002420.6); short protein forms D636A, D597A, D619A.
Identifiers: ClinVar variation 1517809 (VCV001517809.6), dbSNP rs372575158, ClinGen allele CA7452381.
Genomic context (GRCh38, chr15:31,042,182, plus strand): 5'-ACCATCAGCTCGTGGAAGGGATACTGGAACCGACTCACGGCAGGGTCGTCCACATCAATG[T>G]CGATCTCTTCCTCCTTTTTCTTCTTTTTCTTTTTCTTCCCTTTAGCTGGAGGCTCATCAT-3'
Protein context (NP_001238953.1, residues 609-629): KKKKKKEEEI[Asp619Ala]IDVDDPAVSR